The following is an entry in ClinVar:

ClinVar aggregate classification (germline): Likely benign. Review status: criteria provided, single submitter (1 of 4 stars). 2 submissions from 2 submitters: Likely benign (1). 1 of the submissions does not count toward it. Last evaluated 2023-03-01.

Conditions:
PKD1-related disorder. Also called: PKD1-related condition.

Allele frequency attached by ClinVar (database versions not stated): gnomAD 0.00003; gnomAD exomes 0.00003; TOPMed 0.00005.

Submissions (2):

CeGaT Center for Human Genetics Tuebingen
Classification: Likely benign. Last evaluated: 2023-03-01. Review status: criteria provided, single submitter. Criteria: CeGaT Center For Human Genetics Tuebingen Variant Classification Criteria Version 2. Collection method: clinical testing. Allele origin: germline. Affected: yes. Observed: 1 variant allele.
Comment: PKD1: BP4, BP7

PreventionGenetics, part of Exact Sciences
Classification: Likely benign for PKD1-related condition. Last evaluated: 2024-03-14. Review status: no assertion criteria provided. Collection method: clinical testing. Allele origin: germline. Not counted in ClinVar's aggregate classification.
Comment: This variant is classified as likely benign based on ACMG/AMP sequence variant interpretation guidelines (Richards et al. 2015 PMID: 25741868, with internal and published modifications).

NM_001009944.3(PKD1):c.573C>T (p.Thr191=)

Gene: PKD1 (polycystin 1, transient receptor potential channel interacting; minus strand). Cytogenetic location: 16p13.3.
Variant type: single nucleotide variant.
Coding change: c.573C>T on transcript NM_001009944.3 (MANE Select); coding-DNA position 573, C replaced by T.
Protein change: p.Thr191=; no amino-acid change (threonine 191 retained).
Molecular consequence: synonymous variant.
Genome position (GRCh38, 1-based): chr16:2,118,419, G>A on the plus strand (C>T on the coding strand, the complement: PKD1 is on the minus strand). VCF-style: chr16-2118419-G-A. GRCh37 (hg19) VCF-style: chr16-2168420-G-A.
Other names: c.573C>T, p.Thr191= (NM_000296.4).
Identifiers: ClinVar variation 2646032 (VCV002646032.24), dbSNP rs1422421906, ClinGen allele CA493050452.